The following is an entry in ClinVar:

ClinVar aggregate classification (germline): Uncertain significance. Review status: criteria provided, multiple submitters, no conflicts (2 of 4 stars). 3 submissions from 3 submitters: Uncertain significance (3). Last evaluated 2025-06-09.

Conditions:
Cardiovascular phenotype. Identifiers: MedGen CN230736.
Cardiomyopathy (CMYO). Also called: Cardiomyopathies. Identifiers: Orphanet 167848, MedGen C0878544, MONDO:0004994, HP:0001638. Inheritance: Various modes of inheritance.
Arrhythmogenic cardiomyopathy with wooly hair and keratoderma. Also called: Dilated cardiomyopathy with woolly hair and keratoderma; PALMOPLANTAR KERATODERMA WITH LEFT VENTRICULAR CARDIOMYOPATHY AND WOOLLY HAIR; Carvajal syndrome; Arrhythmogenic cardiomyopathy with woolly hair and keratoderma. Identifiers: Orphanet 65282, MedGen C1854063, MONDO:0011581, OMIM 605676.

Allele frequency attached by ClinVar (database versions not stated): ExAC 0.00001; gnomAD 0.00001; TOPMed 0.00001; ESP Exome Variant Server 0.00008.
gnomAD v4.1: 1 of 1,614,076 alleles (0.000062%); highest among the groups gnomAD compares: Non-Finnish European, 0.000085%; no homozygotes.

Submissions (3):

Ambry Genetics
Classification: Uncertain significance for Cardiovascular phenotype. Last evaluated: 2025-06-09. Review status: criteria provided, single submitter. Criteria: Ambry Variant Classification Scheme 2023. Collection method: clinical testing. Allele origin: germline.
Comment: The p.K900E variant (also known as c.2698A>G), located in coding exon 19 of the DSP gene, results from an A to G substitution at nucleotide position 2698. The lysine at codon 900 is replaced by glutamic acid, an amino acid with similar properties. This amino acid position is conserved. In addition, this alteration is predicted to be tolerated by in silico analysis. Based on the available evidence, the clinical significance of this variant remains unclear.

All of Us Research Program, National Institutes of Health
Classification: Uncertain significance for Arrhythmogenic cardiomyopathy with wooly hair and keratoderma. Last evaluated: 2023-07-10. Review status: criteria provided, single submitter. Criteria: ACMG Guidelines, 2015. Collection method: clinical testing. Allele origin: germline. Inheritance: Autosomal dominant inheritance. Observed: 1 variant allele, 1 heterozygote.
Comment: This missense variant replaces lysine with glutamic acid at codon 900 of the DSP protein. Computational prediction suggests that this variant may not impact protein structure and function (internally defined REVEL score threshold <= 0.5, PMID: 27666373). To our knowledge, functional studies have not been reported for this variant. This variant has been reported in an individual from a cohort of participants undergoing whole exome sequencing in clinical research studies (PMID: 30122538). This variant has not been identified in the general population by the Genome Aggregation Database (gnomAD). The available evidence is insufficient to determine the role of this variant in disease conclusively. Therefore, this variant is classified as a Variant of Uncertain Significance.

This study involves interpretation of variants in research participants for the purpose of population health screening. Participant phenotype was not available at the time of variant classification. Additional details can be found in publication PMID: 35346344, PMCID: PMC8962531

Color Diagnostics, LLC DBA Color Health
Classification: Uncertain significance for Cardiomyopathy. Last evaluated: 2023-06-28. Review status: criteria provided, single submitter. Criteria: ACMG Guidelines, 2015. Collection method: clinical testing. Allele origin: germline.
Comment: This missense variant replaces lysine with glutamic acid at codon 900 of the DSP protein. Computational prediction suggests that this variant may not impact protein structure and function (internally defined REVEL score threshold <= 0.5, PMID: 27666373). To our knowledge, functional studies have not been reported for this variant. This variant has been reported in an individual from a cohort of participants undergoing whole exome sequencing in clinical research studies (PMID: 30122538). This variant has not been identified in the general population by the Genome Aggregation Database (gnomAD). The available evidence is insufficient to determine the role of this variant in disease conclusively. Therefore, this variant is classified as a Variant of Uncertain Significance.

Literature cited by the submitters: PubMed 30122538 (cited by All of Us Research Program, National Institutes of Health and Color Diagnostics, LLC DBA Color Health).

NM_004415.4(DSP):c.2698A>G (p.Lys900Glu)

Gene: DSP (desmoplakin; plus strand). Cytogenetic location: 6p24.3.
Variant type: single nucleotide variant.
Coding change: c.2698A>G on transcript NM_004415.4 (MANE Select); coding-DNA position 2698, A replaced by G.
Protein change: p.Lys900Glu; replaces lysine 900 with glutamic acid.
Molecular consequence: missense variant.
Genome position (GRCh38, 1-based): chr6:7,576,361, A>G. VCF-style: chr6-7576361-A-G. GRCh37 (hg19) VCF-style: chr6-7576594-A-G.
Other names: c.2698A>G, p.Lys900Glu (NM_001008844.3, NM_001319034.2); short protein forms K900E.
Identifiers: ClinVar variation 1171592 (VCV001171592.6), dbSNP rs371493210, ClinGen allele CA034683.
Genomic context (GRCh38, chr6:7,576,361, plus strand): 5'-GACCTGGAGAAACAAATCAAGCAATTGAGGAATTATCGTGATAACTATCAGGCTTTCTGC[A>G]AGTGGCTCTATGATGCTAAACGCCGCCAGGATTCCTTAGAATCCATGAAATTTGGAGATT-3'
Protein context (NP_004406.2, residues 890-910): NYRDNYQAFC[Lys900Glu]WLYDAKRRQD